The following is an entry in ClinVar:

NM_138694.4(PKHD1):c.4488_4489insA (p.Gly1497fs)

Gene: PKHD1 (PKHD1 ciliary IPT domain containing fibrocystin/polyductin; minus strand). Cytogenetic location: 6p12.2.
Variant type: Insertion.
Coding change: c.4488_4489insA on transcript NM_138694.4 (MANE Select); coding-DNA positions 4488 to 4489, A inserted.
Protein change: p.Gly1497fs; shifts the reading frame from glycine 1497.
Molecular consequence: frameshift variant.
Genome position: GRCh38 VCF-style: chr6-52025321-C-CT. GRCh37 (hg19) VCF-style: chr6-51890119-C-CT.
Other names: c.4488_4489insA, p.Gly1497fs (NM_170724.3); short protein forms G1497fs.
Identifiers: ClinVar variation 3775413 (VCV003775413.1).
Genomic context (GRCh38, chr6:52,025,321, plus strand): 5'-TCGGCTCATCAGCTGTGGTGGCTAACCTCTGACCCCTAATCAGCACAGTGGTCAGAGACC[C>CT]ACTGGTGTTTGTGGACAAGGCATCCATGACAGGACTTGCCTCTTCCCTTATGAAAAGAGT-3'

ClinVar aggregate classification (germline): Likely pathogenic (1 of 4 stars; one submission).

Conditions:
Polycystic kidney disease 4 (PKD4). Also called: POLYCYSTIC KIDNEY DISEASE 4 WITH OR WITHOUT POLYCYSTIC LIVER DISEASE; PKD3; Autosomal Recessive Polycystic Kidney Disease – PKHD1; POLYCYSTIC KIDNEY AND HEPATIC DISEASE 1; POLYCYSTIC KIDNEY DISEASE, INFANTILE, TYPE I. Identifiers: MedGen C4540575, MONDO:0033004, OMIM 263200.

Submission:

3billion
Classification: Likely pathogenic for Polycystic kidney disease 4. Last evaluated: 2024-03-13. Review status: criteria provided, single submitter. Criteria: ACMG Guidelines, 2015. Collection method: clinical testing. Allele origin: germline. Affected: yes.
Comment: The variant is not observed in the gnomAD v2.1.1 dataset. Predicted Consequence/Location: Frameshift: predicted to result in a loss or disruption of normal protein function through nonsense-mediated decay (NMD) or protein truncation. Multiple pathogenic variants are reported downstream of the variant. Therefore, this variant is classified as Likely pathogenic according to the recommendation of ACMG/AMP guideline.